The following is an entry in ClinVar:

NM_003718.5(CDK13):c.3464C>T (p.Pro1155Leu)

Gene: CDK13 (cyclin dependent kinase 13; plus strand). Cytogenetic location: 7p14.1.
Variant type: single nucleotide variant.
Coding change: c.3464C>T on transcript NM_003718.5 (MANE Select); coding-DNA position 3464, C replaced by T.
Protein change: p.Pro1155Leu; replaces proline 1155 with leucine.
Molecular consequence: missense variant.
Genome position (GRCh38, 1-based): chr7:40,093,013, C>T. VCF-style: chr7-40093013-C-T. GRCh37 (hg19) VCF-style: chr7-40132612-C-T.
Other names: c.3284C>T, p.Pro1095Leu (NM_031267.4); short protein forms P1155L, P1095L.
Identifiers: ClinVar variation 2177542 (VCV002177542.6), dbSNP rs747531694, ClinGen allele CA4228947.

ClinVar aggregate classification (germline): Benign. Review status: criteria provided, single submitter (1 of 4 stars). 2 submissions from 2 submitters: Benign (1). 1 of the submissions does not count toward it. Last evaluated 2025-12-09.

Conditions:
CDK13-related disorder. Also called: CDK13-related condition. Identifiers: MedGen C5816700.

Allele frequency attached by ClinVar (database versions not stated): ExAC 0.00010; gnomAD 0.00003; TOPMed 0.00003; gnomAD exomes 0.00004.
gnomAD v4.1: 64 of 1,614,014 alleles (0.004%); highest among the groups gnomAD compares: Admixed American, 0.078%; no homozygotes.

Submissions (2):

Labcorp Genetics (formerly Invitae), Labcorp
Classification: Benign. Last evaluated: 2025-12-09. Review status: criteria provided, single submitter. Criteria: Invitae Variant Classification Sherloc (09022015). Collection method: clinical testing. Allele origin: germline.

PreventionGenetics, part of Exact Sciences
Classification: Likely benign for CDK13-related condition. Last evaluated: 2022-03-13. Review status: no assertion criteria provided. Collection method: clinical testing. Allele origin: germline. Not counted in ClinVar's aggregate classification.
Comment: This variant is classified as likely benign based on ACMG/AMP sequence variant interpretation guidelines (Richards et al. 2015 PMID: 25741868, with internal and published modifications).